The following is an entry in ClinVar:

NM_000273.3(GPR143):c.896A>C (p.Asn299Thr)

Gene: GPR143 (G protein-coupled receptor 143; minus strand). Cytogenetic location: Xp22.2.
Variant type: single nucleotide variant.
Coding change: c.896A>C on transcript NM_000273.3 (MANE Select); coding-DNA position 896, A replaced by C.
Protein change: p.Asn299Thr; replaces asparagine 299 with threonine.
Molecular consequence: missense variant.
Genome position (GRCh38, 1-based): chrX:9,739,709, T>G on the plus strand (A>C on the coding strand, the complement: GPR143 is on the minus strand). VCF-style: chrX-9739709-T-G. GRCh37 (hg19) VCF-style: chrX-9707749-T-G.
Other names: short protein forms N299T.
Identifiers: ClinVar variation 1381164 (VCV001381164.6), dbSNP rs2146684308, ClinGen allele CA411995604.

ClinVar aggregate classification (germline): Uncertain significance (1 of 4 stars; one submission).

Submission:

Labcorp Genetics (formerly Invitae), Labcorp
Classification: Uncertain significance. Last evaluated: 2021-09-15. Review status: criteria provided, single submitter. Criteria: Invitae Variant Classification Sherloc (09022015). Collection method: clinical testing. Allele origin: germline.
Comment: In summary, the available evidence is currently insufficient to determine the role of this variant in disease. Therefore, it has been classified as a Variant of Uncertain Significance. Algorithms developed to predict the effect of missense changes on protein structure and function are either unavailable or do not agree on the potential impact of this missense change (SIFT: "Deleterious"; PolyPhen-2: "Probably Damaging"; Align-GVGD: "Class C0"). This variant has not been reported in the literature in individuals affected with GPR143-related conditions. This variant is not present in population databases (ExAC no frequency). This sequence change replaces asparagine with threonine at codon 299 of the GPR143 protein (p.Asn299Thr). The asparagine residue is highly conserved and there is a small physicochemical difference between asparagine and threonine.